The following is an entry in ClinVar:

ClinVar aggregate classification (germline): Uncertain significance (1 of 4 stars; one submission).

Allele frequency attached by ClinVar (database versions not stated): gnomAD 0.00001.

Submission:

Labcorp Genetics (formerly Invitae), Labcorp
Classification: Uncertain significance. Last evaluated: 2024-07-22. Review status: criteria provided, single submitter. Criteria: Invitae Variant Classification Sherloc (09022015). Collection method: clinical testing. Allele origin: germline.
Comment: This sequence change replaces arginine, which is basic and polar, with leucine, which is neutral and non-polar, at codon 503 of the DEF6 protein (p.Arg503Leu). This variant is not present in population databases (gnomAD no frequency). This variant has not been reported in the literature in individuals affected with DEF6-related conditions. ClinVar contains an entry for this variant (Variation ID: 1928878). An algorithm developed to predict the effect of missense changes on protein structure and function (PolyPhen-2) suggests that this variant is likely to be tolerated. In summary, the available evidence is currently insufficient to determine the role of this variant in disease. Therefore, it has been classified as a Variant of Uncertain Significance.

NM_022047.4(DEF6):c.1508G>T (p.Arg503Leu)

Gene: DEF6 (DEF6 guanine nucleotide exchange factor; plus strand). Cytogenetic location: 6p21.31.
Variant type: single nucleotide variant.
Coding change: c.1508G>T on transcript NM_022047.4 (MANE Select); coding-DNA position 1508, G replaced by T.
Protein change: p.Arg503Leu; replaces arginine 503 with leucine.
Molecular consequence: missense variant.
Genome position (GRCh38, 1-based): chr6:35,319,944, G>T. VCF-style: chr6-35319944-G-T. GRCh37 (hg19) VCF-style: chr6-35287721-G-T.
Other names: short protein forms R503L.
Identifiers: ClinVar variation 1928878 (VCV001928878.5), dbSNP rs779878203, ClinGen allele CA363768383.